The following is an entry in ClinVar:

ClinVar aggregate classification (germline): Uncertain significance. Review status: criteria provided, multiple submitters, no conflicts (2 of 4 stars). 2 submissions from 2 submitters: Uncertain significance (2). Last evaluated 2024-09-25.

Conditions:
Hereditary breast ovarian cancer syndrome. Also called: Hereditary breast and ovarian cancer; Breast and ovarian cancer; BRCA1- and BRCA2-Associated Hereditary Breast and Ovarian Cancer; Hereditary breast and/or ovarian cancer syndrome; Hereditary breast and ovarian cancer syndrome; Hereditary breast and ovarian cancer syndrome (HBOC). Identifiers: Orphanet 145, MedGen C0677776, MeSH D061325, MONDO:0003582. Disease mechanism: loss of function.
Hereditary cancer-predisposing syndrome. Also called: Tumor predisposition; Hereditary neoplastic syndrome; Hereditary Cancer Syndrome; Neoplastic Syndromes, Hereditary. Identifiers: Orphanet 140162, MedGen C0027672, MeSH D009386, MONDO:0015356.

Submissions (2):

Ambry Genetics
Classification: Uncertain significance for Hereditary cancer-predisposing syndrome. Last evaluated: 2024-09-25. Review status: criteria provided, single submitter. Criteria: Ambry Variant Classification Scheme 2023. Collection method: clinical testing. Allele origin: germline.
Comment: The p.M2393I variant (also known as c.7179G>T), located in coding exon 13 of the BRCA2 gene, results from a G to T substitution at nucleotide position 7179. The methionine at codon 2393 is replaced by isoleucine, an amino acid with highly similar properties. This amino acid position is conserved. In addition, this alteration is predicted to be tolerated by in silico analysis. Based on the available evidence, the clinical significance of this variant remains unclear.

Labcorp Genetics (formerly Invitae), Labcorp
Classification: Uncertain significance for Hereditary breast ovarian cancer syndrome. Last evaluated: 2021-06-28. Review status: criteria provided, single submitter. Criteria: Invitae Variant Classification Sherloc (09022015). Collection method: clinical testing. Allele origin: germline.
Comment: This sequence change replaces methionine with isoleucine at codon 2393 of the BRCA2 protein (p.Met2393Ile). The methionine residue is weakly conserved and there is a small physicochemical difference between methionine and isoleucine. This variant is not present in population databases (ExAC no frequency). This variant has not been reported in the literature in individuals with BRCA2-related conditions. Advanced modeling of protein sequence and biophysical properties (such as structural, functional, and spatial information, amino acid conservation, physicochemical variation, residue mobility, and thermodynamic stability) performed at Invitae indicates that this missense variant is not expected to disrupt BRCA2 protein function. In summary, the available evidence is currently insufficient to determine the role of this variant in disease. Therefore, it has been classified as a Variant of Uncertain Significance.

NM_000059.4(BRCA2):c.7179G>T (p.Met2393Ile)

Gene: BRCA2 (BRCA2 DNA repair associated; plus strand). Cytogenetic location: 13q13.1.
Variant type: single nucleotide variant.
Coding change: c.7179G>T on transcript NM_000059.4 (MANE Select); coding-DNA position 7179, G replaced by T.
Protein change: p.Met2393Ile; replaces methionine 2393 with isoleucine.
Molecular consequence: missense variant.
Genome position (GRCh38, 1-based): chr13:32,355,032, G>T. VCF-style: chr13-32355032-G-T. GRCh37 (hg19) VCF-style: chr13-32929169-G-T.
Other names: c.7179G>T (NM_000059.3); short protein forms M2393I.
Identifiers: ClinVar variation 1464157 (VCV001464157.9), dbSNP rs2072679193, ClinGen allele CA387739570.